The following is an entry in ClinVar:

NM_020821.3(VPS13C):c.9105+8T>C

Gene: VPS13C (vacuolar protein sorting 13 homolog C; minus strand). Cytogenetic location: 15q22.2.
Variant type: single nucleotide variant.
Coding change: c.9105+8T>C on transcript NM_020821.3 (MANE Select); 8 bases into the intron after coding-DNA position 9105, T replaced by C.
Molecular consequence: intron variant.
Genome position (GRCh38, 1-based): chr15:61,907,256, A>G on the plus strand (T>C on the coding strand, the complement: VPS13C is on the minus strand). VCF-style: chr15-61907256-A-G. GRCh37 (hg19) VCF-style: chr15-62199455-A-G.
Other names: c.8976+8T>C (NM_017684.5, NM_018080.4); c.9105+8T>C (NM_001018088.3).
Identifiers: ClinVar variation 3054791 (VCV003054791.2), dbSNP rs566844130, ClinGen allele CA7594775.
Genomic context (GRCh38, chr15:61,907,256, plus strand): 5'-GAAGATAGCTTCTCTACTTCCTTCACTGTCAGGTAACTCATATAGCACTCATTCACATCA[A>G]AAGATACCTTTAACAGATCATGTTCCCCAACATTTGCTGCATATGTCCATGTAAGTTTTC-3'

ClinVar aggregate classification (germline): Likely benign (0 of 4 stars; one submission).

Conditions:
VPS13C-related disorder. Also called: VPS13C-related condition.

Allele frequency attached by ClinVar (database versions not stated): gnomAD exomes 0.00001; TOPMed 0.00001; ExAC 0.00002; gnomAD 0.00002; 1000 Genomes Project 30x 0.00016; 1000 Genomes Project 0.00020.
gnomAD v4.1: 14 of 1,613,578 alleles (0.00087%); highest among the groups gnomAD compares: East Asian, 0.031%; no homozygotes.

Submission:

PreventionGenetics, part of Exact Sciences
Classification: Likely benign for VPS13C-related condition. Last evaluated: 2020-04-17. Review status: no assertion criteria provided. Collection method: clinical testing. Allele origin: germline.
Comment: This variant is classified as likely benign based on ACMG/AMP sequence variant interpretation guidelines (Richards et al. 2015 PMID: 25741868, with internal and published modifications).